The following is an entry in ClinVar:

NM_000878.5(IL2RB):c.1057C>T (p.His353Tyr)

Gene: IL2RB (interleukin 2 receptor subunit beta; minus strand). Cytogenetic location: 22q12.3.
Variant type: single nucleotide variant.
Coding change: c.1057C>T on transcript NM_000878.5 (MANE Select); coding-DNA position 1057, C replaced by T.
Protein change: p.His353Tyr; replaces histidine 353 with tyrosine.
Molecular consequence: missense variant.
Genome position (GRCh38, 1-based): chr22:37,128,695, G>A on the plus strand (C>T on the coding strand, the complement: IL2RB is on the minus strand). VCF-style: chr22-37128695-G-A. GRCh37 (hg19) VCF-style: chr22-37524735-G-A.
Other names: c.1057C>T, p.His353Tyr (NM_001346222.1, NM_001346223.2); short protein forms H353Y.
Identifiers: ClinVar variation 1991611 (VCV001991611.2), dbSNP rs148621370, ClinGen allele CA10216428.

ClinVar aggregate classification (germline): Uncertain significance (1 of 4 stars; one submission).

Allele frequency attached by ClinVar (database versions not stated): ExAC 0.00001; gnomAD exomes 0.00001; TOPMed 0.00003; gnomAD 0.00005; ESP Exome Variant Server 0.00015.
gnomAD v4.1: 22 of 1,614,088 alleles (0.0014%); highest among the groups gnomAD compares: Non-Finnish European, 0.0018%; no homozygotes.

Submission:

Labcorp Genetics (formerly Invitae), Labcorp
Classification: Uncertain significance. Last evaluated: 2024-04-23. Review status: criteria provided, single submitter. Criteria: Invitae Variant Classification Sherloc (09022015). Collection method: clinical testing. Allele origin: germline.
Comment: This sequence change replaces histidine, which is basic and polar, with tyrosine, which is neutral and polar, at codon 353 of the IL2RB protein (p.His353Tyr). This variant is present in population databases (rs148621370, gnomAD 0.004%). This variant has not been reported in the literature in individuals affected with IL2RB-related conditions. ClinVar contains an entry for this variant (Variation ID: 1991611). An algorithm developed to predict the effect of missense changes on protein structure and function (PolyPhen-2) suggests that this variant¬†is likely to be tolerated. In summary, the available evidence is currently insufficient to determine the role of this variant in disease. Therefore, it has been classified as a Variant of Uncertain Significance.